The following is an entry in ClinVar:

ClinVar aggregate classification (germline): Uncertain significance (1 of 4 stars; one submission).

Conditions:
Andersen Tawil syndrome (LQT7). Also called: ANDERSEN CARDIODYSRHYTHMIC PERIODIC PARALYSIS; LONG QT SYNDROME 7; PERIODIC PARALYSIS, POTASSIUM-SENSITIVE CARDIODYSRHYTHMIC TYPE; Andersen Syndrome; Potassium-sensitive periodic paralysis, ventricular ectopy, and dysmorphic features. Identifiers: Orphanet 37553, MedGen C1563715, MONDO:0008222, OMIM 170390.
Short QT syndrome type 3. Identifiers: Orphanet 51083, MedGen C1865018, MONDO:0012314, OMIM 609622.

Submission:

Labcorp Genetics (formerly Invitae), Labcorp
Classification: Uncertain significance for Short QT syndrome type 3; Andersen Tawil syndrome. Last evaluated: 2025-10-15. Review status: criteria provided, single submitter. Criteria: Invitae Variant Classification Sherloc (09022015). Collection method: clinical testing. Allele origin: germline.
Comment: This sequence change replaces lysine, which is basic and polar, with glutamine, which is neutral and polar, at codon 50 of the KCNJ2 protein (p.Lys50Gln). This variant is not present in population databases (gnomAD no frequency). This variant has not been reported in the literature in individuals affected with KCNJ2-related conditions. Invitae Evidence Modeling of protein sequence and biophysical properties (such as structural, functional, and spatial information, amino acid conservation, physicochemical variation, residue mobility, and thermodynamic stability) indicates that this missense variant is expected to disrupt KCNJ2 protein function with a positive predictive value of 95%. In summary, the available evidence is currently insufficient to determine the role of this variant in disease. Therefore, it has been classified as a Variant of Uncertain Significance.

NM_000891.3(KCNJ2):c.148A>C (p.Lys50Gln)

Gene: KCNJ2 (potassium inwardly rectifying channel subfamily J member 2; plus strand). Cytogenetic location: 17q24.3.
Variant type: single nucleotide variant.
Coding change: c.148A>C on transcript NM_000891.3 (MANE Select); coding-DNA position 148, A replaced by C.
Protein change: p.Lys50Gln; replaces lysine 50 with glutamine.
Molecular consequence: missense variant.
Genome position (GRCh38, 1-based): chr17:70,175,187, A>C. VCF-style: chr17-70175187-A-C. GRCh37 (hg19) VCF-style: chr17-68171328-A-C.
Other names: short protein forms K50Q.
Identifiers: ClinVar variation 4789240 (VCV004789240.1).